The following is an entry in ClinVar:

ClinVar aggregate classification (germline): Uncertain significance. Review status: criteria provided, multiple submitters, no conflicts (2 of 4 stars). 3 submissions from 3 submitters: Uncertain significance (3). Last evaluated 2025-04-25.

Conditions:
Inborn genetic diseases. Identifiers: MedGen C0950123, MeSH D030342.

Allele frequency attached by ClinVar (database versions not stated): gnomAD 0.00011; ExAC 0.00014; TOPMed 0.00015; ESP Exome Variant Server 0.00031.

Submissions (3):

Ambry Genetics
Classification: Uncertain significance for Inborn genetic diseases. Last evaluated: 2025-04-25. Review status: criteria provided, single submitter. Criteria: Ambry Variant Classification Scheme 2023. Collection method: clinical testing. Allele origin: germline.

GeneDx
Classification: Uncertain significance. Last evaluated: 2024-09-13. Review status: criteria provided, single submitter. Criteria: GeneDx Variant Classification Process June 2021. Collection method: clinical testing. Allele origin: germline. Affected: yes.
Comment: In silico analysis indicates that this missense variant does not alter protein structure/function; Has not been previously published as pathogenic or benign to our knowledge

Revvity Omics, Revvity
Classification: Uncertain significance. Last evaluated: 2023-07-14. Review status: criteria provided, single submitter. Criteria: ACMG Guidelines, 2015. Collection method: clinical testing. Allele origin: germline.

NM_001170535.3(ATAD3A):c.563G>A (p.Arg188Gln)

Gene: ATAD3A (ATPase family AAA domain containing 3A; plus strand). Cytogenetic location: 1p36.33.
Variant type: single nucleotide variant.
Coding change: c.563G>A on transcript NM_001170535.3 (MANE Select); coding-DNA position 563, G replaced by A.
Protein change: p.Arg188Gln; replaces arginine 188 with glutamine.
Molecular consequence: missense variant.
Genome position (GRCh38, 1-based): chr1:1,520,189, G>A. VCF-style: chr1-1520189-G-A. GRCh37 (hg19) VCF-style: chr1-1455569-G-A.
Other names: c.563G>A (NM_001170535.1); c.326G>A, p.Arg109Gln (NM_001170536.3); c.707G>A, p.Arg236Gln (NM_018188.5); short protein forms R109Q, R236Q, R188Q.
Identifiers: ClinVar variation 2209594 (VCV002209594.6), dbSNP rs145950590, ClinGen allele CA525847.
Genomic context (GRCh38, chr1:1,520,189, plus strand): 5'-TCTCTGGGGCAGCCACCGTGGAGCGGGAGATGGAGCTGCGGCACAAGAATGAGATGCTGC[G>A]AGTGGAGGCCGAGGCCCGGGCGCGCGCCAAGGCCGAGCGGGAGAATGCAGACATCATCCG-3'
Protein context (NP_001164006.1, residues 178-198): MELRHKNEML[Arg188Gln]VEAEARARAK